The following is an entry in ClinVar:

NM_000069.3(CACNA1S):c.2057T>C (p.Met686Thr)

Gene: CACNA1S (calcium voltage-gated channel subunit alpha1 S; minus strand). Cytogenetic location: 1q32.1.
Variant type: single nucleotide variant.
Coding change: c.2057T>C on transcript NM_000069.3 (MANE Select); coding-DNA position 2057, T replaced by C.
Protein change: p.Met686Thr; replaces methionine 686 with threonine.
Molecular consequence: missense variant.
Genome position (GRCh38, 1-based): chr1:201,074,512, A>G on the plus strand (T>C on the coding strand, the complement: CACNA1S is on the minus strand). VCF-style: chr1-201074512-A-G. GRCh37 (hg19) VCF-style: chr1-201043640-A-G.
Other names: short protein forms M686T.
Identifiers: ClinVar variation 1013876 (VCV001013876.28), dbSNP rs1661536110, ClinGen allele CA344114288.

ClinVar aggregate classification (germline): Uncertain significance. Review status: criteria provided, multiple submitters, no conflicts (2 of 4 stars). 4 submissions from 4 submitters: Uncertain significance (4). Last evaluated 2024-06-01.

Conditions:
Malignant hyperthermia, susceptibility to, 5 (MHS5). Also called: CACNA1S-Related Malignant Hyperthermia Susceptibility. Identifiers: Orphanet 423, MedGen C1866077, MONDO:0011163, OMIM 601887.
Hypokalemic periodic paralysis, type 1. Also called: Hypokalemic Periodic Paralysis Type 1 (AD); HypoPP. Identifiers: Orphanet 681, MedGen C3714580, MONDO:0042979, OMIM 170400.
Congenital myopathy 18. Also called: DIHYDROPYRIDINE RECEPTOR CONGENITAL MYOPATHY; DHPR CONGENITAL MYOPATHY; Myopathy, congenital, due to dihydropyridine receptor defect. Identifiers: MedGen C5830283, MONDO:0859514, OMIM 620246.
Thyrotoxic periodic paralysis, susceptibility to, 1 (TTPP1). Identifiers: Orphanet 79102, MedGen C2749982, MONDO:0008570, OMIM 188580.

Allele frequency attached by ClinVar (database versions not stated): TOPMed below 0.00001.

Submissions (4):

CeGaT Center for Human Genetics Tuebingen
Classification: Uncertain significance. Last evaluated: 2024-06-01. Review status: criteria provided, single submitter. Criteria: CeGaT Center For Human Genetics Tuebingen Variant Classification Criteria Version 2. Collection method: clinical testing. Allele origin: germline. Affected: yes. Observed: 1 variant allele.
Comment: CACNA1S: PM2

Fulgent Genetics
Classification: Uncertain significance for Hypokalemic periodic paralysis, type 1; Thyrotoxic periodic paralysis, susceptibility to, 1; Malignant hyperthermia, susceptibility to, 5; Congenital myopathy 18. Last evaluated: 2024-05-27. Review status: criteria provided, single submitter. Criteria: ACMG Guidelines, 2015. Collection method: clinical testing. Allele origin: germline.

All of Us Research Program, National Institutes of Health
Classification: Uncertain significance for Malignant hyperthermia, susceptibility to, 5. Last evaluated: 2023-08-28. Review status: criteria provided, single submitter. Criteria: ACMG Guidelines, 2015. Collection method: clinical testing. Allele origin: germline. Inheritance: Autosomal dominant inheritance. Observed: 1 variant allele, 1 heterozygote.
Comment: This missense variant replaces methionine with threonine at codon 686 of the CACNA1S protein. Computational prediction suggests that this variant may not impact protein structure and function (internally defined REVEL score threshold <= 0.5, PMID: 27666373). To our knowledge, functional studies have not been reported for this variant. This variant has not been reported in individuals affected with CACNA1S-related disorders in the literature. This variant has not been identified in the general population by the Genome Aggregation Database (gnomAD). The available evidence is insufficient to determine the role of this variant in disease conclusively. Therefore, this variant is classified as a Variant of Uncertain Significance.

This study involves interpretation of variants in research participants for the purpose of population health screening. Participant phenotype was not available at the time of variant classification. Additional details can be found in publication PMID: 35346344, PMCID: PMC8962531

Labcorp Genetics (formerly Invitae), Labcorp
Classification: Uncertain significance for Hypokalemic periodic paralysis, type 1; Malignant hyperthermia, susceptibility to, 5. Last evaluated: 2020-09-17. Review status: criteria provided, single submitter. Criteria: Invitae Variant Classification Sherloc (09022015). Collection method: clinical testing. Allele origin: germline.
Comment: This sequence change replaces methionine with threonine at codon 686 of the CACNA1S protein (p.Met686Thr). The methionine residue is moderately conserved and there is a moderate physicochemical difference between methionine and threonine. In summary, the available evidence is currently insufficient to determine the role of this variant in disease. Therefore, it has been classified as a Variant of Uncertain Significance. Algorithms developed to predict the effect of missense changes on protein structure and function (SIFT, PolyPhen-2, Align-GVGD) all suggest that this variant is likely to be tolerated, but these predictions have not been confirmed by published functional studies and their clinical significance is uncertain. This variant has not been reported in the literature in individuals with CACNA1S-related conditions. This variant is not present in population databases (ExAC no frequency).